The following is an entry in ClinVar:

NM_024548.4(CEP97):c.1532A>C (p.Lys511Thr)

Gene: CEP97 (centrosomal protein 97; plus strand). Cytogenetic location: 3q12.3.
Variant type: single nucleotide variant.
Coding change: c.1532A>C on transcript NM_024548.4 (MANE Select); coding-DNA position 1532, A replaced by C.
Protein change: p.Lys511Thr; replaces lysine 511 with threonine.
Molecular consequence: missense variant.
Genome position (GRCh38, 1-based): chr3:101,758,138, A>C. VCF-style: chr3-101758138-A-C. GRCh37 (hg19) VCF-style: chr3-101476982-A-C.
Other names: c.1355A>C, p.Lys452Thr (NM_001303401.2); c.1430A>C, p.Lys477Thr (NM_001410784.1); c.1253A>C, p.Lys418Thr (NM_001410785.1); c.1532A>C (NM_024548.2); short protein forms K418T, K452T, K477T, K511T.
Identifiers: ClinVar variation 3606922 (VCV003606922.3).

ClinVar aggregate classification (germline): Uncertain significance. Review status: criteria provided, multiple submitters, no conflicts (2 of 4 stars). 2 submissions from 2 submitters: Uncertain significance (2). Last evaluated 2025-02-06.

gnomAD v4.1: 1 of 1,614,120 alleles (0.000062%); highest among the groups gnomAD compares: Admixed American, 0.0017%; no homozygotes.

Submissions (2):

Ambry Genetics
Classification: Uncertain significance. Last evaluated: 2025-02-06. Review status: criteria provided, single submitter. Criteria: Ambry Variant Classification Scheme 2023. Collection method: clinical testing. Allele origin: germline.

Labcorp Genetics (formerly Invitae), Labcorp
Classification: Uncertain significance. Last evaluated: 2024-12-19. Review status: criteria provided, single submitter. Criteria: Invitae Variant Classification Sherloc (09022015). Collection method: clinical testing. Allele origin: germline.
Comment: This sequence change replaces lysine, which is basic and polar, with threonine, which is neutral and polar, at codon 511 of the CEP97 protein (p.Lys511Thr). This variant is not present in population databases (gnomAD no frequency). This variant has not been reported in the literature in individuals affected with CEP97-related conditions. Invitae Evidence Modeling of protein sequence and biophysical properties (such as structural, functional, and spatial information, amino acid conservation, physicochemical variation, residue mobility, and thermodynamic stability) indicates that this missense variant is not expected to disrupt CEP97 protein function with a negative predictive value of 80%. In summary, the available evidence is currently insufficient to determine the role of this variant in disease. Therefore, it has been classified as a Variant of Uncertain Significance.